The following is an entry in ClinVar:

NM_000466.3(PEX1):c.3665C>T (p.Pro1222Leu)

Genes: PEX1 (peroxisomal biogenesis factor 1; minus strand), GATAD1 (GATA zinc finger domain containing 1; plus strand). Cytogenetic location: 7q21.2.
Variant type: single nucleotide variant.
Coding change: c.3665C>T on transcript NM_000466.3 (MANE Select); coding-DNA position 3665, C replaced by T.
Protein change: p.Pro1222Leu; replaces proline 1222 with leucine.
Molecular consequence: missense variant.
Genome position (GRCh38, 1-based): chr7:92,489,395, G>A on the plus strand (C>T on the coding strand, the complement: PEX1 is on the minus strand). VCF-style: chr7-92489395-G-A. GRCh37 (hg19) VCF-style: chr7-92118709-G-A.
Other names: c.3494C>T, p.Pro1165Leu (NM_001282677.2); c.3041C>T, p.Pro1014Leu (NM_001282678.2); short protein forms P1014L, P1222L, P1165L.
Identifiers: ClinVar variation 1446912 (VCV001446912.5), dbSNP rs371575516, ClinGen allele CA4340759.

ClinVar aggregate classification (germline): Uncertain significance (1 of 4 stars; one submission).

Conditions:
Zellweger spectrum disorders (ZS). Also called: Zellweger Spectrum Disorder (ZSD); Zellweger Spectrum Disorder; Zellweger Spectrum; Zellweger syndrome. Identifiers: Orphanet 912, MedGen C0043459, MONDO:0019609.

Allele frequency attached by ClinVar (database versions not stated): gnomAD exomes below 0.00001 and 0.00001; TOPMed below 0.00001; ExAC 0.00001.
gnomAD v4.1: 2 of 1,612,552 alleles (0.00012%); highest among the groups gnomAD compares: Non-Finnish European, 0.00017%; no homozygotes.

Submission:

Labcorp Genetics (formerly Invitae), Labcorp
Classification: Uncertain significance for Zellweger spectrum disorders. Last evaluated: 2021-08-27. Review status: criteria provided, single submitter. Criteria: Invitae Variant Classification Sherloc (09022015). Collection method: clinical testing. Allele origin: germline.
Comment: This sequence change replaces proline with leucine at codon 1222 of the PEX1 protein (p.Pro1222Leu). The proline residue is weakly conserved and there is a moderate physicochemical difference between proline and leucine. This variant is present in population databases (rs371575516, ExAC 0.002%). This variant has not been reported in the literature in individuals affected with PEX1-related conditions. Algorithms developed to predict the effect of missense changes on protein structure and function (SIFT, PolyPhen-2, Align-GVGD) all suggest that this variant is likely to be tolerated. In summary, the available evidence is currently insufficient to determine the role of this variant in disease. Therefore, it has been classified as a Variant of Uncertain Significance.